The following is an entry in ClinVar:

NM_032228.6(FAR1):c.955+1G>A

Gene: FAR1 (fatty acyl-CoA reductase 1; plus strand). Cytogenetic location: 11p15.3.
Variant type: single nucleotide variant.
Coding change: c.955+1G>A on transcript NM_032228.6 (MANE Select); the canonical splice donor site of the intron after coding-DNA position 955, G replaced by A.
Molecular consequence: splice donor variant.
Genome position (GRCh38, 1-based): chr11:13,713,034, G>A. VCF-style: chr11-13713034-G-A. GRCh37 (hg19) VCF-style: chr11-13734581-G-A.
Identifiers: ClinVar variation 3573853 (VCV003573853.1).

ClinVar aggregate classification (germline): Likely pathogenic (1 of 4 stars; one submission).

Submission:

GeneDx
Classification: Likely pathogenic. Last evaluated: 2024-07-18. Review status: criteria provided, single submitter. Criteria: GeneDx Variant Classification Process June 2021. Collection method: clinical testing. Allele origin: germline. Affected: yes.
Comment: Canonical splice site variant predicted to result in a null allele in a gene for which loss of function is a known mechanism of disease; Not observed at significant frequency in large population cohorts (gnomAD); Has not been previously published as pathogenic or benign to our knowledge